The following is an entry in ClinVar:

NM_000548.5(TSC2):c.2023_2024delinsTT (p.Ala675Leu)

Gene: TSC2 (TSC complex subunit 2; plus strand). Cytogenetic location: 16p13.3.
Variant type: Indel.
Coding change: c.2023_2024delinsTT on transcript NM_000548.5 (MANE Select); coding-DNA positions 2023 to 2024, GC replaced by TT.
Protein change: p.Ala675Leu; replaces alanine 675 with leucine.
Molecular consequence: missense variant.
Genome position (GRCh38, 1-based): chr16:2,071,860-2,071,861, GC replaced by TT. VCF-style: chr16-2071860-GC-TT. GRCh37 (hg19) VCF-style: chr16-2121861-GC-TT.
Other names: c.2023_2024delinsTT, p.Ala675Leu (NM_001077183.3, NM_001114382.3, NM_001363528.2 and 3 more transcripts); c.1912_1913delinsTT, p.Ala638Leu (NM_001318827.2); c.1876_1877delinsTT, p.Ala626Leu (NM_001318829.2); c.1423_1424delinsTT, p.Ala475Leu (NM_001318831.2); c.2056_2057delinsTT, p.Ala686Leu (NM_001318832.2); c.2023_2024delinsTT (NM_000548.3); short protein forms A675L, A475L, A638L, A686L, A626L.
Identifiers: ClinVar variation 467917 (VCV000467917.20), dbSNP rs1555506090, ClinGen allele CA658658369.

ClinVar aggregate classification (germline): Uncertain significance. Review status: criteria provided, multiple submitters, no conflicts (2 of 4 stars). 4 submissions from 4 submitters: Uncertain significance (4). Last evaluated 2025-06-09.

Conditions:
Tuberous sclerosis 2 (TSC2). Identifiers: Orphanet 805, MedGen C1860707, MONDO:0013199, OMIM 613254.
Hereditary cancer-predisposing syndrome. Also called: Hereditary neoplastic syndrome; Neoplastic Syndromes, Hereditary; Tumor predisposition; Hereditary Cancer Syndrome. Identifiers: Orphanet 140162, MedGen C0027672, MeSH D009386, MONDO:0015356.

Submissions (4):

Labcorp Genetics (formerly Invitae), Labcorp
Classification: Uncertain significance for Tuberous sclerosis 2. Last evaluated: 2025-06-09. Review status: criteria provided, single submitter. Criteria: Invitae Variant Classification Sherloc (09022015). Collection method: clinical testing. Allele origin: germline.
Comment: This sequence change replaces alanine, which is neutral and non-polar, with leucine, which is neutral and non-polar, at codon 675 of the TSC2 protein (p.Ala675Leu). Information on the frequency of this variant in the gnomAD database is not available, as this variant may be reported differently in the database. This variant has not been reported in the literature in individuals affected with TSC2-related conditions. ClinVar contains an entry for this variant (Variation ID: 467917). An algorithm developed to predict the effect of missense changes on protein structure and function (PolyPhen-2) suggests that this variant is likely to be tolerated. In summary, the available evidence is currently insufficient to determine the role of this variant in disease. Therefore, it has been classified as a Variant of Uncertain Significance.

GeneDx
Classification: Uncertain significance. Last evaluated: 2025-04-24. Review status: criteria provided, single submitter. Criteria: GeneDx Variant Classification Process June 2021. Collection method: clinical testing. Allele origin: germline. Affected: yes.
Comment: Not observed at significant frequency in large population cohorts (gnomAD); In silico analysis indicates that this variant does not alter protein structure/function; Has not been previously published as pathogenic or benign to our knowledge

Ambry Genetics
Classification: Uncertain significance for Hereditary cancer-predisposing syndrome. Last evaluated: 2024-08-06. Review status: criteria provided, single submitter. Criteria: Ambry Variant Classification Scheme 2023. Collection method: clinical testing. Allele origin: germline.
Comment: The c.2023_2024delGCinsTT variant (also known as p.A675L), located in coding exon 18 of the TSC2 gene, results from a deletion of GC and insertion of TT at nucleotide positions 2023 to 2024. This results in the substitution of the alanine residue for a leucine residue at codon 675, an amino acid with similar properties. This amino acid position is not well conserved in available vertebrate species. In addition, this alteration is predicted to be neutral by in silico analysis (Choi Y et al. PLoS ONE. 2012; 7(10):e46688). Based on the available evidence, the clinical significance of this variant remains unclear.

Genome-Nilou Lab
Classification: Uncertain significance for Tuberous sclerosis 2. Last evaluated: 2021-11-07. Review status: criteria provided, single submitter. Criteria: ACMG Guidelines, 2015. Collection method: clinical testing. Allele origin: germline. Affected: no.